The following is an entry in ClinVar:

NC_000001.10:g.(?_68912383)_(68912553_?)del

Gene: RPE65 (retinoid isomerohydrolase RPE65; minus strand). Cytogenetic location: 1p31.2.
Variant type: Deletion.
Identifiers: ClinVar variation 1076977 (VCV001076977.5).

ClinVar aggregate classification (germline): Pathogenic (1 of 4 stars; one submission).

Conditions:
Retinitis pigmentosa 20 (RP20). Identifiers: Orphanet 791, MedGen C3151086, MONDO:0013425, OMIM 613794.
Leber congenital amaurosis 2 (LCA2). Also called: Autosomal Recessive RPE65-Related Retinal Degeneration; AMAUROSIS CONGENITA OF LEBER II. Identifiers: Orphanet 65, MedGen C1859844, MONDO:0008765, OMIM 204100. Disease mechanism: loss of function.

Submission:

Labcorp Genetics (formerly Invitae), Labcorp
Classification: Pathogenic for Leber congenital amaurosis 2; Retinitis pigmentosa 20. Last evaluated: 2020-08-20. Review status: criteria provided, single submitter. Criteria: Invitae Variant Classification Sherloc (09022015). Collection method: clinical testing. Allele origin: germline.
Comment: For these reasons, this variant has been classified as Pathogenic. Loss-of-function variants in RPE65 are known to be pathogenic (PMID: 9326941, 9501220, 9843205, 18632300). This variant has not been reported in the literature in individuals with RPE65-related conditions. This variant is an out-of-frame deletion of the genomic region encompassing exon(s) 3 of the RPE65 gene. This is expected to create a premature translational stop signal and result in an absent or disrupted protein product.

Literature cited by the submitters: PubMed 9326941; PubMed 9501220; PubMed 9843205; PubMed 18632300.